The following is an entry in ClinVar:

ClinVar aggregate classification (germline): Uncertain significance (1 of 4 stars; one submission).

Submission:

GeneDx
Classification: Uncertain significance. Last evaluated: 2024-02-06. Review status: criteria provided, single submitter. Criteria: GeneDx Variant Classification Process June 2021. Collection method: clinical testing. Allele origin: germline. Affected: yes.
Comment: In-frame deletion of four amino acids in a non-repeat region; Not observed at significant frequency in large population cohorts (gnomAD); In silico analysis supports a deleterious effect on protein structure/function; Has not been previously published as pathogenic or benign to our knowledge

NM_001009944.3(PKD1):c.8341_8352del (p.Ile2781_Gln2784del)

Gene: PKD1 (polycystin 1, transient receptor potential channel interacting; minus strand). Cytogenetic location: 16p13.3.
Variant type: Deletion.
Coding change: c.8341_8352del on transcript NM_001009944.3 (MANE Select); coding-DNA positions 8341 to 8352, 12 bases deleted (ATCGTGGCCCAG).
Protein change: p.Ile2781_Gln2784del.
Molecular consequence: inframe deletion. On other transcripts: inframe indel (1).
Genome position (GRCh38, 1-based): chr16:2,103,705-2,103,716, CTGGGCCACGAT deleted on the plus strand (ATCGTGGCCCAG on the coding strand, the reverse complement: PKD1 is on the minus strand); deleting any 12 consecutive bases within chr16:2,103,705-2,103,718 gives the same sequence; the c. name uses the placement nearest the transcript's 3' end. VCF-style (leftmost placement, unchanged base first): chr16-2103704-CCTGGGCCACGAT-C. GRCh37 (hg19) VCF-style: chr16-2153705-CCTGGGCCACGAT-C.
Other names: c.8341_8352del, p.Ile2781_Gln2784del (NM_000296.4); c.8339_8350delAGATCGTGGCCC, p.Ile2781_Gln2784del (NM_001009944.2).
Identifiers: ClinVar variation 3368568 (VCV003368568.1).